The following is an entry in ClinVar:

NM_000135.4(FANCA):c.4055C>A (p.Ala1352Asp)

Genes: FANCA (FA complementation group A; minus strand), ZNF276 (zinc finger protein 276; plus strand). Cytogenetic location: 16q24.3.
Variant type: single nucleotide variant.
Coding change: c.4055C>A on transcript NM_000135.4 (MANE Select); coding-DNA position 4055, C replaced by A.
Protein change: p.Ala1352Asp; replaces alanine 1352 with aspartic acid.
Molecular consequence: missense variant. On other transcripts: 3 prime UTR variant (2), non-coding transcript variant (4).
Genome position (GRCh38, 1-based): chr16:89,739,245, G>T on the plus strand (C>A on the coding strand, the complement: FANCA is on the minus strand). VCF-style: chr16-89739245-G-T. GRCh37 (hg19) VCF-style: chr16-89805653-G-T.
Other names: c.4055C>A, p.Ala1352Asp (NM_001286167.3); c.*999G>T (NM_001113525.2, NM_152287.4); short protein forms A1352D.
Identifiers: ClinVar variation 4710289 (VCV004710289.1).

ClinVar aggregate classification (germline): Uncertain significance (1 of 4 stars; one submission).

Conditions:
Fanconi anemia (FA). Also called: Fanconi's anemia. Identifiers: Orphanet 84, MedGen C0015625, MeSH D005199, MONDO:0019391.

Submission:

Labcorp Genetics (formerly Invitae), Labcorp
Classification: Uncertain significance for Fanconi anemia. Last evaluated: 2026-01-24. Review status: criteria provided, single submitter. Criteria: Invitae Variant Classification Sherloc (09022015). Collection method: clinical testing. Allele origin: germline.
Comment: This sequence change replaces alanine, which is neutral and non-polar, with aspartic acid, which is acidic and polar, at codon 1352 of the FANCA protein (p.Ala1352Asp). This variant is not present in population databases (gnomAD no frequency). This missense change has been observed in individual(s) with breast cancer (PMID: 23021409). Invitae Evidence Modeling of protein sequence and biophysical properties (such as structural, functional, and spatial information, amino acid conservation, physicochemical variation, residue mobility, and thermodynamic stability) indicates that this missense variant is not expected to disrupt FANCA protein function with a negative predictive value of 95%. In summary, the available evidence is currently insufficient to determine the role of this variant in disease. Therefore, it has been classified as a Variant of Uncertain Significance.

Literature cited by the submitters: PubMed 23021409.